The following is an entry in ClinVar:

NM_001378454.1(ALMS1):c.6151A>G (p.Thr2051Ala)

Gene: ALMS1 (ALMS1 centrosome and basal body associated protein; plus strand). Cytogenetic location: 2p13.1.
Variant type: single nucleotide variant.
Coding change: c.6151A>G on transcript NM_001378454.1 (MANE Select); coding-DNA position 6151, A replaced by G.
Protein change: p.Thr2051Ala; replaces threonine 2051 with alanine.
Molecular consequence: missense variant.
Genome position (GRCh38, 1-based): chr2:73,452,678, A>G. VCF-style: chr2-73452678-A-G. GRCh37 (hg19) VCF-style: chr2-73679805-A-G.
Other names: c.6154A>G, p.Thr2052Ala (NM_015120.4); short protein forms T2051A, T2052A.
Identifiers: ClinVar variation 1369383 (VCV001369383.9), dbSNP rs2103789073, ClinGen allele CA347285094.

ClinVar aggregate classification (germline): Uncertain significance. Review status: criteria provided, multiple submitters, no conflicts (2 of 4 stars). 3 submissions from 3 submitters: Uncertain significance (3). Last evaluated 2022-07-06.

Conditions:
Cardiovascular phenotype. Identifiers: MedGen CN230736.
Alstrom syndrome (ALMS). Identifiers: Orphanet 64, MedGen C0268425, MONDO:0008763, OMIM 203800.

Submissions (3):

Labcorp Genetics (formerly Invitae), Labcorp
Classification: Uncertain significance for Alstrom syndrome. Last evaluated: 2022-07-06. Review status: criteria provided, single submitter. Criteria: Invitae Variant Classification Sherloc (09022015). Collection method: clinical testing. Allele origin: germline.
Comment: In summary, the available evidence is currently insufficient to determine the role of this variant in disease. Therefore, it has been classified as a Variant of Uncertain Significance. Experimental studies and prediction algorithms are not available or were not evaluated, and the functional significance of this variant is currently unknown. ClinVar contains an entry for this variant (Variation ID: 1369383). This variant has not been reported in the literature in individuals affected with ALMS1-related conditions. This variant is not present in population databases (gnomAD no frequency). This sequence change replaces threonine, which is neutral and polar, with alanine, which is neutral and non-polar, at codon 2052 of the ALMS1 protein (p.Thr2052Ala).

Blueprint Genetics
Classification: Uncertain significance. Last evaluated: 2022-05-23. Review status: criteria provided, single submitter. Criteria: ACMG Guidelines, 2015. Collection method: clinical testing. Allele origin: germline.

Ambry Genetics
Classification: Uncertain significance for Cardiovascular phenotype. Last evaluated: 2021-11-04. Review status: criteria provided, single submitter. Criteria: Ambry Variant Classification Scheme 2023. Collection method: clinical testing. Allele origin: germline.
Comment: The p.T2052A variant (also known as c.6154A>G), located in coding exon 8 of the ALMS1 gene, results from an A to G substitution at nucleotide position 6154. The threonine at codon 2052 is replaced by alanine, an amino acid with similar properties. This amino acid position is poorly conserved in available vertebrate species. In addition, this alteration is predicted to be tolerated by in silico analysis. Since supporting evidence is limited at this time, the clinical significance of this alteration remains unclear.